The following is an entry in ClinVar:

ClinVar aggregate classification (germline): Uncertain significance (1 of 4 stars; one submission).

Submission:

Ambry Genetics
Classification: Uncertain significance. Last evaluated: 2024-10-24. Review status: criteria provided, single submitter. Criteria: Ambry Variant Classification Scheme 2023. Collection method: clinical testing. Allele origin: germline.
Comment: The p.G56S variant (also known as c.166G>A), located in coding exon 1 of the TMPO gene, results from a G to A substitution at nucleotide position 166. The glycine at codon 56 is replaced by serine, an amino acid with similar properties. This amino acid position is conserved. In addition, this alteration is predicted to be tolerated by in silico analysis. Based on the available evidence, the clinical significance of this variant remains unclear.

NM_001032283.3(TMPO):c.166G>A (p.Gly56Ser)

Genes: TMPO (thymopoietin; plus strand), TMPO-AS1 (TMPO antisense RNA 1; minus strand). Cytogenetic location: 12q23.1.
Variant type: single nucleotide variant.
Coding change: c.166G>A on transcript NM_001032283.3 (MANE Select); coding-DNA position 166, G replaced by A.
Protein change: p.Gly56Ser; replaces glycine 56 with serine.
Molecular consequence: missense variant. On other transcripts: non-coding transcript variant (1).
Genome position (GRCh38, 1-based): chr12:98,516,033, G>A. VCF-style: chr12-98516033-G-A. GRCh37 (hg19) VCF-style: chr12-98909811-G-A.
Other names: c.166G>A, p.Gly56Ser (NM_001032284.3, NM_001307975.2, NM_003276.2); short protein forms G56S.
Identifiers: ClinVar variation 3458768 (VCV003458768.1).